The following is an entry in ClinVar:

NM_006182.4(DDR2):c.994C>T (p.Arg332Trp)

Gene: DDR2 (discoidin domain receptor tyrosine kinase 2; plus strand). Cytogenetic location: 1q23.3.
Variant type: single nucleotide variant.
Coding change: c.994C>T on transcript NM_006182.4 (MANE Select); coding-DNA position 994, C replaced by T.
Protein change: p.Arg332Trp; replaces arginine 332 with tryptophan.
Molecular consequence: missense variant.
Genome position (GRCh38, 1-based): chr1:162,761,349, C>T. VCF-style: chr1-162761349-C-T. GRCh37 (hg19) VCF-style: chr1-162731139-C-T.
Other names: c.994C>T, p.Arg332Trp (NM_001014796.3, NM_001354982.2, NM_001354983.2); short protein forms R332W.
Identifiers: ClinVar variation 5020570 (VCV005020570.1).

ClinVar aggregate classification (germline): Uncertain significance (1 of 4 stars; one submission).

gnomAD v4.1: 8 of 1,614,062 alleles (0.0005%); highest among the groups gnomAD compares: African/African-American, 0.0027%; no homozygotes.

Submission:

Dasa
Classification: Uncertain significance. Last evaluated: 2026-05-14. Review status: criteria provided, single submitter. Criteria: DASA Assertion Criteria. Collection method: clinical testing. Allele origin: germline.
Comment: NM_006182.4(DDR2):c.994C>T (p.Arg332Trp) is a missense variant that results in the substitution of arginine with tryptophan. This variant is rare in population databases. The currently available literature and clinical evidence are not sufficient to establish a definitive association between this variant and the reported condition. Therefore, this variant is classified as a variant of uncertain significance.